The following is an entry in ClinVar:

NM_005733.3(KIF20A):c.653G>A (p.Arg218Gln)

Gene: KIF20A (kinesin family member 20A; plus strand). Cytogenetic location: 5q31.2.
Variant type: single nucleotide variant.
Coding change: c.653G>A on transcript NM_005733.3 (MANE Select); coding-DNA position 653, G replaced by A.
Protein change: p.Arg218Gln; replaces arginine 218 with glutamine.
Molecular consequence: missense variant.
Genome position (GRCh38, 1-based): chr5:138,182,724, G>A. VCF-style: chr5-138182724-G-A. GRCh37 (hg19) VCF-style: chr5-137518413-G-A.
Other names: c.653G>A (NM_005733.2); short protein forms R218Q.
Identifiers: ClinVar variation 1979939 (VCV001979939.6), dbSNP rs201497719, ClinGen allele CA128184966.

ClinVar aggregate classification (germline): Uncertain significance. Review status: criteria provided, multiple submitters, no conflicts (2 of 4 stars). 2 submissions from 2 submitters: Uncertain significance (2). Last evaluated 2025-08-11.

Allele frequency attached by ClinVar (database versions not stated): gnomAD exomes 0.00001; TOPMed 0.00002; gnomAD 0.00004.
gnomAD v4.1: 22 of 1,613,838 alleles (0.0014%); highest among the groups gnomAD compares: Middle Eastern, 0.016%; no homozygotes.

Submissions (2):

Labcorp Genetics (formerly Invitae), Labcorp
Classification: Uncertain significance. Last evaluated: 2025-08-11. Review status: criteria provided, single submitter. Criteria: Invitae Variant Classification Sherloc (09022015). Collection method: clinical testing. Allele origin: germline.
Comment: This sequence change replaces arginine, which is basic and polar, with glutamine, which is neutral and polar, at codon 218 of the KIF20A protein (p.Arg218Gln). This variant is present in population databases (rs201497719, gnomAD 0.003%). This variant has not been reported in the literature in individuals affected with KIF20A-related conditions. ClinVar contains an entry for this variant (Variation ID: 1979939). An algorithm developed to predict the effect of missense changes on protein structure and function outputs the following: PolyPhen-2: "Benign". The glutamine amino acid residue is found in multiple mammalian species, which suggests that this missense change does not adversely affect protein function. In summary, the available evidence is currently insufficient to determine the role of this variant in disease. Therefore, it has been classified as a Variant of Uncertain Significance.

Ambry Genetics
Classification: Uncertain significance. Last evaluated: 2023-07-30. Review status: criteria provided, single submitter. Criteria: Ambry Variant Classification Scheme 2023. Collection method: clinical testing. Allele origin: germline.